The following is an entry in ClinVar:

ClinVar aggregate classification (germline): Benign/Likely benign. Review status: criteria provided, multiple submitters, no conflicts (2 of 4 stars). 7 submissions from 7 submitters: Benign (3); Likely benign (3). 1 of the submissions does not count toward it. Last evaluated 2026-02-04.

Conditions:
ALG6-congenital disorder of glycosylation 1C (CDG1C). Also called: CDG Ic; CARBOHYDRATE-DEFICIENT GLYCOPROTEIN SYNDROME, TYPE I, WITH DEFICIENT GLYCOSYLATION OF DOLICHOL-LINKED OLIGOSACCHARIDE; CARBOHYDRATE-DEFICIENT GLYCOPROTEIN SYNDROME, TYPE V; Congenital disorder of glycosylation type 1C; Congenital disorder of glycosylation, type Ic. Identifiers: Orphanet 79320, MedGen C2930997, MONDO:0011291, OMIM 603147.

Allele frequency attached by ClinVar (database versions not stated): 1000 Genomes Project 30x 0.00390; 1000 Genomes Project 0.00419; TOPMed 0.01186; gnomAD exomes 0.01207 and 0.01813; ExAC 0.01208; gnomAD 0.01241 and 0.01295; ESP Exome Variant Server 0.01353.
gnomAD v4.1: 28,220 of 1,613,650 alleles (1.7%); highest among the groups gnomAD compares: Non-Finnish European, 2.1%; 327 homozygotes.

Submissions (7):

Labcorp Genetics (formerly Invitae), Labcorp
Classification: Benign for ALG6-congenital disorder of glycosylation 1C. Last evaluated: 2026-02-04. Review status: criteria provided, single submitter. Criteria: Invitae Variant Classification Sherloc (09022015). Collection method: clinical testing. Allele origin: germline.

Women's Health and Genetics/Laboratory Corporation of America, LabCorp
Classification: Likely benign. Last evaluated: 2025-10-05. Review status: criteria provided, single submitter. Criteria: LabCorp Variant Classification Summary - May 2015. Collection method: clinical testing. Allele origin: germline.

Mayo Clinic Laboratories, Mayo Clinic
Classification: Benign. Last evaluated: 2023-08-10. Review status: criteria provided, single submitter. Criteria: ACMG Guidelines, 2015. Collection method: clinical testing. Allele origin: germline. Observed: 17 variant alleles.
Comment: BS1, BS2

Illumina Laboratory Services, Illumina
Classification: Likely benign for ALG6-congenital disorder of glycosylation 1C. Last evaluated: 2018-01-13. Review status: criteria provided, single submitter. Criteria: ICSL Variant Classification Criteria 13 December 2019. Collection method: clinical testing. Allele origin: germline.
Comment: This variant was observed in the ICSL laboratory as part of a predisposition screen in an ostensibly healthy population. It had not been previously curated by ICSL or reported in the Human Gene Mutation Database (HGMD: prior to June 1st, 2018), and was therefore a candidate for classification through an automated scoring system. Utilizing variant allele frequency, disease prevalence and penetrance estimates, and inheritance mode, an automated score was calculated to assess if this variant is too frequent to cause the disease. Based on the score and internal cut-off values, a variant classified as likely benign is not then subjected to further curation. The score for this variant resulted in a classification of likely benign for this disease.

GeneDx
Classification: Benign. Last evaluated: 2016-02-22. Review status: criteria provided, single submitter. Criteria: GeneDx Variant Classification (06012015). Collection method: clinical testing. Allele origin: germline. Affected: yes.
Comment: This variant is considered likely benign or benign based on one or more of the following criteria: it is a conservative change, it occurs at a poorly conserved position in the protein, it is predicted to be benign by multiple in silico algorithms, and/or has population frequency not consistent with disease.

Breakthrough Genomics
Classification: Likely benign. Review status: criteria provided, single submitter. Criteria: ACMG Guidelines, 2015. Collection method: not provided. Allele origin: germline. Inheritance: Autosomal recessive inheritance. Affected: yes.

Natera, Inc.
Classification: Benign for Congenital disorder of glycosylation type 1c. Last evaluated: 2020-09-16. Review status: no assertion criteria provided. Collection method: clinical testing. Allele origin: germline. Not counted in ClinVar's aggregate classification.

NM_013339.4(ALG6):c.1357C>G (p.Leu453Val)

Gene: ALG6 (ALG6 alpha-1,3-glucosyltransferase; plus strand). Cytogenetic location: 1p31.3.
Variant type: single nucleotide variant.
Coding change: c.1357C>G on transcript NM_013339.4 (MANE Select); coding-DNA position 1357, C replaced by G.
Protein change: p.Leu453Val; replaces leucine 453 with valine.
Molecular consequence: missense variant.
Genome position (GRCh38, 1-based): chr1:63,436,853, C>G. VCF-style: chr1-63436853-C-G. GRCh37 (hg19) VCF-style: chr1-63902524-C-G.
Other names: p.Leu453Val; c.1357C>G, p.Leu453Val (LRG_1260t1); short protein forms L453V.
Identifiers: ClinVar variation 380085 (VCV000380085.18), dbSNP rs41285372, ClinGen allele CA888436.